The following is an entry in ClinVar:

NM_000245.4(MET):c.1238G>A (p.Arg413His)

Gene: MET (MET proto-oncogene, receptor tyrosine kinase; plus strand). Cytogenetic location: 7q31.2.
Variant type: single nucleotide variant.
Coding change: c.1238G>A on transcript NM_000245.4 (MANE Select); coding-DNA position 1238, G replaced by A.
Protein change: p.Arg413His; replaces arginine 413 with histidine.
Molecular consequence: missense variant. On other transcripts: 5 prime UTR variant (1).
Genome position (GRCh38, 1-based): chr7:116,731,705, G>A. VCF-style: chr7-116731705-G-A. GRCh37 (hg19) VCF-style: chr7-116371759-G-A.
Other names: c.1238G>A, p.Arg413His (NM_001127500.3, NM_001324401.3); c.-53G>A (NM_001324402.2); short protein forms R413H.
Identifiers: ClinVar variation 454180 (VCV000454180.22), dbSNP rs375391602, ClinGen allele CA4448120.

ClinVar aggregate classification (germline): Conflicting classifications of pathogenicity. Review status: criteria provided, conflicting classifications (1 of 4 stars). 4 submissions from 4 submitters: Uncertain significance (2); Benign (1); Likely benign (1). Last evaluated 2026-01-09.

Conditions:
Renal cell carcinoma. Identifiers: Orphanet 217071, MedGen C0007134, MeSH D002292, MONDO:0005086, HP:0005584.
Hereditary cancer-predisposing syndrome. Also called: Hereditary Cancer Syndrome; Hereditary neoplastic syndrome; Neoplastic Syndromes, Hereditary; Tumor predisposition. Identifiers: Orphanet 140162, MedGen C0027672, MeSH D009386, MONDO:0015356.
Papillary renal cell carcinoma type 1 (RCCP1). Also called: Renal adenocarcinoma; Renal cell carcinoma 1; Renal cell carcinoma, somatic; RENAL CELL CARCINOMA, PAPILLARY, 1, SOMATIC. Identifiers: Orphanet 47044, MedGen C1336839, OMIM 605074, HP:0011797.

Allele frequency attached by ClinVar (database versions not stated): gnomAD 0.00001 and 0.00003; gnomAD exomes 0.00002; ExAC 0.00003; TOPMed 0.00006; ESP Exome Variant Server 0.00017.
gnomAD v4.1: 30 of 1,613,988 alleles (0.0019%); highest among the groups gnomAD compares: South Asian, 0.0055%; no homozygotes.

Submissions (4):

Labcorp Genetics (formerly Invitae), Labcorp
Classification: Likely benign for Renal cell carcinoma. Last evaluated: 2026-01-09. Review status: criteria provided, single submitter. Criteria: Invitae Variant Classification Sherloc (09022015). Collection method: clinical testing. Allele origin: germline.

Ambry Genetics
Classification: Benign for Hereditary cancer-predisposing syndrome. Last evaluated: 2025-09-12. Review status: criteria provided, single submitter. Criteria: Ambry Variant Classification Scheme 2023. Collection method: clinical testing. Allele origin: germline.

GeneDx
Classification: Uncertain significance. Last evaluated: 2023-02-06. Review status: criteria provided, single submitter. Criteria: GeneDx Variant Classification Process June 2021. Collection method: clinical testing. Allele origin: germline. Affected: yes.
Comment: In silico analysis supports that this missense variant does not alter protein structure/function; Observed in an individual with a history of breast cancer (Guindalini et al., 2022); This variant is associated with the following publications: (PMID: 35264596)

Mendelics
Classification: Uncertain significance for Renal cell carcinoma, papillary, 1. Last evaluated: 2018-07-02. Review status: criteria provided, single submitter. Criteria: Mendelics Assertion Criteria 2017. Collection method: clinical testing. Allele origin: unknown.